The following is an entry in ClinVar:

NM_001366521.1(ATP2B1):c.1343A>C (p.Lys448Thr)

Gene: ATP2B1 (ATPase plasma membrane Ca2+ transporting 1; minus strand). Cytogenetic location: 12q21.33.
Variant type: single nucleotide variant.
Coding change: c.1343A>C on transcript NM_001366521.1 (MANE Select); coding-DNA position 1343, A replaced by C.
Protein change: p.Lys448Thr; replaces lysine 448 with threonine.
Molecular consequence: missense variant. On other transcripts: non-coding transcript variant (3).
Genome position (GRCh38, 1-based): chr12:89,624,184, T>G on the plus strand (A>C on the coding strand, the complement: ATP2B1 is on the minus strand). VCF-style: chr12-89624184-T-G. GRCh37 (hg19) VCF-style: chr12-90017961-T-G.
Other names: c.1343A>C, p.Lys448Thr (NM_001001323.2, NM_001366520.1, NM_001366522.1 and 13 more transcripts); c.1145A>C, p.Lys382Thr (NM_001366530.1, NM_001413053.1); c.782A>C, p.Lys261Thr (NM_001366531.1, NM_001366532.1, NM_001413058.1 and 2 more transcripts); c.1304A>C, p.Lys435Thr (NM_001413048.1); c.1202A>C, p.Lys401Thr (NM_001413051.1, NM_001413052.1, NM_001413055.1); c.1088A>C, p.Lys363Thr (NM_001413056.1); c.890A>C, p.Lys297Thr (NM_001413057.1); short protein forms K261T, K297T, K363T, K382T, K401T, K435T, K448T.
Identifiers: ClinVar variation 3371691 (VCV003371691.1).

ClinVar aggregate classification (germline): Uncertain significance (1 of 4 stars; one submission).

Submission:

GeneDx
Classification: Uncertain significance. Last evaluated: 2024-03-26. Review status: criteria provided, single submitter. Criteria: GeneDx Variant Classification Process June 2021. Collection method: clinical testing. Allele origin: germline. Affected: yes.
Comment: Not observed at significant frequency in large population cohorts (gnomAD); In silico analysis supports that this missense variant has a deleterious effect on protein structure/function; Has not been previously published as pathogenic or benign to our knowledge